The following is an entry in ClinVar:

NM_001042492.3(NF1):c.895T>C (p.Phe299Leu)

Gene: NF1 (neurofibromin 1; plus strand). Cytogenetic location: 17q11.2.
Variant type: single nucleotide variant.
Coding change: c.895T>C on transcript NM_001042492.3 (MANE Select); coding-DNA position 895, T replaced by C.
Protein change: p.Phe299Leu; replaces phenylalanine 299 with leucine.
Molecular consequence: missense variant.
Genome position (GRCh38, 1-based): chr17:31,200,428, T>C. VCF-style: chr17-31200428-T-C. GRCh37 (hg19) VCF-style: chr17-29527446-T-C.
Other names: c.895T>C, p.Phe299Leu (NM_000267.4, NM_001128147.3); short protein forms F299L.
Identifiers: ClinVar variation 1318743 (VCV001318743.2), dbSNP rs2143872037, ClinGen allele CA398995511.

ClinVar aggregate classification (germline): Uncertain significance (1 of 4 stars; one submission).

Submission:

GeneDx
Classification: Uncertain significance. Last evaluated: 2021-07-08. Review status: criteria provided, single submitter. Criteria: GeneDx Variant Classification Process June 2021. Collection method: clinical testing. Allele origin: germline. Affected: yes.
Comment: Has not been previously published as pathogenic or benign to our knowledge; Not observed at significant frequency in large population cohorts (Lek 2016); In silico analysis supports that this missense variant has a deleterious effect on protein structure/function; This variant is associated with the following publications: (PMID: 27535533)